The following is an entry in ClinVar:

NM_003052.5(SLC34A1):c.388+2T>C

Gene: SLC34A1 (solute carrier family 34 member 1; plus strand). Cytogenetic location: 5q35.3.
Variant type: single nucleotide variant.
Coding change: c.388+2T>C on transcript NM_003052.5 (MANE Select); the canonical splice donor site of the intron after coding-DNA position 388, T replaced by C.
Molecular consequence: splice donor variant.
Genome position (GRCh38, 1-based): chr5:177,386,351, T>C. VCF-style: chr5-177386351-T-C. GRCh37 (hg19) VCF-style: chr5-176813352-T-C.
Other names: c.388+2T>C (NM_001167579.2).
Identifiers: ClinVar variation 3621072 (VCV003621072.2).
Genomic context (GRCh38, chr5:177,386,351, plus strand): 5'-CCTCTACCTCTTCGTCTGCTCCCTGGACATGCTCAGCTCGGCCTTCCAGCTGGCTGGAGG[T>C]AGGGCCCGGGTGGAGGAGACCTGGGAGGGGTTCCTGAAGGGCCTTGGACAACGCTGGCTC-3'

ClinVar aggregate classification (germline): Likely pathogenic (1 of 4 stars; one submission).

gnomAD v4.1: 3 of 1,614,152 alleles (0.00019%); highest among the groups gnomAD compares: Admixed American, 0.0017%; no homozygotes.

Submission:

Labcorp Genetics (formerly Invitae), Labcorp
Classification: Likely pathogenic. Last evaluated: 2024-03-27. Review status: criteria provided, single submitter. Criteria: Invitae Variant Classification Sherloc (09022015). Collection method: clinical testing. Allele origin: germline.
Comment: This sequence change affects a donor splice site in intron 4 of the SLC34A1 gene. It is expected to disrupt RNA splicing. Variants that disrupt the donor or acceptor splice site typically lead to a loss of protein function (PMID: 16199547), and loss-of-function variants in SLC34A1 are known to be pathogenic (PMID: 26047794). This variant is present in population databases (no rsID available, gnomAD 0.003%). This variant has not been reported in the literature in individuals affected with SLC34A1-related conditions. Algorithms developed to predict the effect of sequence changes on RNA splicing suggest that this variant may disrupt the consensus splice site. In summary, the currently available evidence indicates that the variant is pathogenic, but additional data are needed to prove that conclusively. Therefore, this variant has been classified as Likely Pathogenic.

Literature cited by the submitters: PubMed 16199547; PubMed 26047794.